The following is an entry in ClinVar:

NM_005902.4(SMAD3):c.420_421del (p.Pro141fs)

Gene: SMAD3 (SMAD family member 3; plus strand). Cytogenetic location: 15q22.33.
Variant type: Deletion.
Coding change: c.420_421del on transcript NM_005902.4 (MANE Select); coding-DNA positions 420 to 421, 2 bases deleted (GC; older notation c.420_421delGC).
Protein change: p.Pro141fs; shifts the reading frame from proline 141.
Molecular consequence: frameshift variant. On other transcripts: intron variant (2).
Genome position (GRCh38, 1-based): chr15:67,165,272-67,165,273, GC deleted. VCF-style (leftmost placement, unchanged base first): chr15-67165271-TGC-T. GRCh37 (hg19) VCF-style: chr15-67457609-TGC-T.
Other names: c.105_106del, p.Pro36fs (NM_001145102.2, NM_001407016.1); c.288_289del, p.Pro97fs (NM_001145103.2); c.420_421del, p.Pro141fs (NM_001407011.1, NM_001407013.1); c.273_274del, p.Pro92fs (NM_001407014.1); c.400+184_400+185del (NM_001407012.1); c.85+184_85+185del (NM_001407015.1); short protein forms P36fs, P141fs, P92fs, P97fs.
Identifiers: ClinVar variation 3724887 (VCV003724887.2).

ClinVar aggregate classification (germline): Pathogenic (1 of 4 stars; one submission).

Conditions:
Familial thoracic aortic aneurysm and aortic dissection (TAAD). Also called: Thoracic aortic aneurysms and dissections. Identifiers: Orphanet 91387, MedGen C4707243, MONDO:0019625.

Submission:

Labcorp Genetics (formerly Invitae), Labcorp
Classification: Pathogenic for Familial thoracic aortic aneurysm and aortic dissection. Last evaluated: 2024-11-09. Review status: criteria provided, single submitter. Criteria: Invitae Variant Classification Sherloc (09022015). Collection method: clinical testing. Allele origin: germline.
Comment: This sequence change creates a premature translational stop signal (p.Pro141Thrfs*24) in the SMAD3 gene. It is expected to result in an absent or disrupted protein product. Loss-of-function variants in SMAD3 are known to be pathogenic (PMID: 21778426, 24804794). This variant is not present in population databases (gnomAD no frequency). This variant has not been reported in the literature in individuals affected with SMAD3-related conditions. For these reasons, this variant has been classified as Pathogenic.

Literature cited by the submitters: PubMed 21778426; PubMed 24804794.